The following is an entry in ClinVar:

NM_172362.3(KCNH1):c.1193A>G (p.Tyr398Cys)

Gene: KCNH1 (potassium voltage-gated channel subfamily H member 1; minus strand). Cytogenetic location: 1q32.2.
Variant type: single nucleotide variant.
Coding change: c.1193A>G on transcript NM_172362.3 (MANE Select); coding-DNA position 1193, A replaced by G.
Protein change: p.Tyr398Cys; replaces tyrosine 398 with cysteine.
Molecular consequence: missense variant.
Genome position (GRCh38, 1-based): chr1:210,919,909, T>C on the plus strand (A>G on the coding strand, the complement: KCNH1 is on the minus strand). VCF-style: chr1-210919909-T-C. GRCh37 (hg19) VCF-style: chr1-211093251-T-C.
Other names: c.1112A>G, p.Tyr371Cys (NM_002238.4); short protein forms Y371C, Y398C.
Identifiers: ClinVar variation 1708769 (VCV001708769.2), dbSNP rs2527120561, ClinGen allele CA344873650.

ClinVar aggregate classification (germline): Uncertain significance (1 of 4 stars; one submission).

Submission:

GeneDx
Classification: Uncertain significance. Last evaluated: 2022-04-08. Review status: criteria provided, single submitter. Criteria: GeneDx Variant Classification Process June 2021. Collection method: clinical testing. Allele origin: germline. Affected: yes.
Comment: Not observed at significant frequency in large population cohorts (gnomAD); In silico analysis supports that this missense variant has a deleterious effect on protein structure/function; Has not been previously published as pathogenic or benign to our knowledge